The following is an entry in ClinVar:

NM_006019.4(TCIRG1):c.557_570del (p.Leu186fs)

Gene: TCIRG1 (T cell immune regulator 1, ATPase H+ transporting V0 subunit a3; plus strand). Cytogenetic location: 11q13.2.
Variant type: Deletion.
Coding change: c.557_570del on transcript NM_006019.4 (MANE Select); coding-DNA positions 557 to 570, 14 bases deleted (TCTGGAGGGCCTGC).
Protein change: p.Leu186fs; shifts the reading frame from leucine 186.
Molecular consequence: frameshift variant. On other transcripts: 5 prime UTR variant (2).
Genome position (GRCh38, 1-based): chr11:68,043,424-68,043,437, TCTGGAGGGCCTGC deleted; deleting any 14 consecutive bases within chr11:68,043,418-68,043,437 gives the same sequence; the c. name uses the placement nearest the transcript's 3' end. VCF-style (leftmost placement, unchanged base first): chr11-68043417-CGCCTGCTCTGGAGG-C. GRCh37 (hg19) VCF-style: chr11-67810884-CGCCTGCTCTGGAGG-C.
Other names: c.-354_-341del (NM_001351059.2); c.-92_-79del (NM_006053.4); short protein forms L186fs.
Identifiers: ClinVar variation 551799 (VCV000551799.5), dbSNP rs1554995522, ClinGen allele CA658821817.

ClinVar aggregate classification (germline): Likely pathogenic. Review status: criteria provided, multiple submitters, no conflicts (2 of 4 stars). 3 submissions from 3 submitters: Likely pathogenic (2). 1 of the submissions does not count toward it. Last evaluated 2026-04-16.

Conditions:
Autosomal recessive osteopetrosis 1. Also called: ALBERS-SCHONBERG DISEASE, AUTOSOMAL RECESSIVE; TCIRG1-Related Autosomal Recessive Osteopetrosis; TCIRG1-Related Osteopetrosis. Identifiers: Orphanet 667, MedGen C1850127, MONDO:0009815, OMIM 259700.

Submissions (3):

Dasa
Classification: Likely pathogenic. Last evaluated: 2026-04-16. Review status: criteria provided, single submitter. Criteria: DASA Assertion Criteria. Collection method: clinical testing. Allele origin: germline.
Comment: NM_006019.4(TCIRG1):c.557_570del (p.Leu186Profs*36) is a frameshift variant in TCIRG1 predicted to alter the reading frame and introduce a premature termination codon and is predicted to result in an absent or altered protein product. Loss of function is an established disease mechanism for TCIRG1-associated disorders. Also, this variant is rare in population databases. Based on the currently available evidence, this variant is classified as likely pathogenic.

Baylor Genetics
Classification: Likely pathogenic for Autosomal recessive osteopetrosis 1. Last evaluated: 2022-02-02. Review status: criteria provided, single submitter. Criteria: ACMG Guidelines, 2015. Collection method: clinical testing. Allele origin: unknown.

Counsyl
Classification: Likely pathogenic for Autosomal recessive osteopetrosis 1. Last evaluated: 2017-05-09. Review status: no assertion criteria provided. Collection method: clinical testing. Allele origin: unknown. Not counted in ClinVar's aggregate classification.